The following is an entry in ClinVar:

NM_024529.5(CDC73):c.84G>T (p.Gly28=)

Gene: CDC73 (cell division cycle 73; plus strand). Cytogenetic location: 1q31.2.
Variant type: single nucleotide variant.
Coding change: c.84G>T on transcript NM_024529.5 (MANE Select); coding-DNA position 84, G replaced by T.
Protein change: p.Gly28=; no amino-acid change (glycine 28 retained).
Molecular consequence: synonymous variant.
Genome position (GRCh38, 1-based): chr1:193,122,284, G>T. VCF-style: chr1-193122284-G-T. GRCh37 (hg19) VCF-style: chr1-193091414-G-T.
Identifiers: ClinVar variation 4223465 (VCV004223465.1).
Genomic context (GRCh38, chr1:193,122,284, plus strand): 5'-GCGACAGTACAACATCCAGAAGAAGGAGATTGTGGTGAAGGGAGACGAAGTGATCTTCGG[G>T]GAGTTCTCCTGGCCCAAGAATGTGAAGACCAACTATGTTGTTTGGGGGTAAGTCCGGCAT-3'
Protein context (NP_078805.3, residues 18-38): IVVKGDEVIF[Gly28=]EFSWPKNVKT

ClinVar aggregate classification (germline): Uncertain significance (1 of 4 stars; one submission).

Conditions:
Hereditary cancer-predisposing syndrome. Also called: Hereditary Cancer Syndrome; Hereditary neoplastic syndrome; Neoplastic Syndromes, Hereditary; Tumor predisposition. Identifiers: Orphanet 140162, MedGen C0027672, MeSH D009386, MONDO:0015356.

Submission:

Ambry Genetics
Classification: Uncertain significance for Hereditary cancer-predisposing syndrome. Last evaluated: 2025-06-20. Review status: criteria provided, single submitter. Criteria: Ambry Variant Classification Scheme 2023. Collection method: clinical testing. Allele origin: germline.
Comment: The c.84G>T variant (also known as p.G28G), located in coding exon 1 of the CDC73 gene, results from a G to T substitution at nucleotide position 84. This nucleotide substitution does not change the amino acid at codon 28. This nucleotide position is not well conserved in available vertebrate species. In silico splice site analysis predicts that this alteration will result in the creation or strengthening of a novel splice donor site. Based on the available evidence, the clinical significance of this variant remains unclear.